The following is an entry in ClinVar:

NM_001379500.1(COL18A1):c.1311+1G>T

Gene: COL18A1 (collagen type XVIII alpha 1 chain; plus strand). Cytogenetic location: 21q22.3.
Variant type: single nucleotide variant.
Coding change: c.1311+1G>T on transcript NM_001379500.1 (MANE Select); the canonical splice donor site of the intron after coding-DNA position 1311, G replaced by T.
Molecular consequence: splice donor variant.
Genome position (GRCh38, 1-based): chr21:45,479,965, G>T. VCF-style: chr21-45479965-G-T. GRCh37 (hg19) VCF-style: chr21-46899879-G-T.
Other names: c.2556+1G>T (NM_130444.3); c.1851+1G>T (NM_030582.4).
Identifiers: ClinVar variation 4807792 (VCV004807792.1).
Genomic context (GRCh38, chr21:45,479,965, plus strand): 5'-GACACCGGGCCACAAGGCTTCCCCGGGACTCCAGGGGACGTAGGTCCCAAGGGCGACAAG[G>T]TGAGTCTCCGTGGCTGGGTGGGGCCCCTTCCTGTGTTGGCCCTTGGCTCAAGGTGGGGGC-3'

ClinVar aggregate classification (germline): Likely pathogenic (1 of 4 stars; one submission).

gnomAD v4.1: 3 of 1,613,882 alleles (0.00019%); highest among the groups gnomAD compares: Non-Finnish European, 0.00025%; no homozygotes.

Submission:

Labcorp Genetics (formerly Invitae), Labcorp
Classification: Likely pathogenic. Last evaluated: 2025-06-18. Review status: criteria provided, single submitter. Criteria: Invitae Variant Classification Sherloc (09022015). Collection method: clinical testing. Allele origin: germline.
Comment: This sequence change affects a donor splice site in intron 10 of the COL18A1 gene. It is expected to disrupt RNA splicing. Variants that disrupt the donor or acceptor splice site typically lead to a loss of protein function (PMID: 16199547), and loss-of-function variants in COL18A1 are known to be pathogenic (PMID: 12415512, 25456301). This variant is not present in population databases (gnomAD no frequency). This variant has not been reported in the literature in individuals affected with COL18A1-related conditions. Algorithms developed to predict the effect of sequence changes on RNA splicing suggest that this variant may disrupt the consensus splice site. In summary, the currently available evidence indicates that the variant is pathogenic, but additional data are needed to prove that conclusively. Therefore, this variant has been classified as Likely Pathogenic.

Literature cited by the submitters: PubMed 16199547; PubMed 12415512; PubMed 25456301.